The following is an entry in ClinVar:

ClinVar aggregate classification (germline): Uncertain significance (1 of 4 stars; one submission).

Conditions:
Primary dilated cardiomyopathy (DCM). Also called: Dilated Cardiomyopathy. Identifiers: Orphanet 217604, MedGen C0007193, MeSH D002311, MONDO:0005021, HP:0001644. Inheritance: Various modes of inheritance.

Submission:

Labcorp Genetics (formerly Invitae), Labcorp
Classification: Uncertain significance for Primary dilated cardiomyopathy. Last evaluated: 2020-08-28. Review status: criteria provided, single submitter. Criteria: Invitae Variant Classification Sherloc (09022015). Collection method: clinical testing. Allele origin: germline.
Comment: In summary, the available evidence is currently insufficient to determine the role of this variant in disease. Therefore, it has been classified as a Variant of Uncertain Significance. Experimental studies and prediction algorithms are not available or were not evaluated, and the functional significance of this variant is currently unknown. This variant has not been reported in the literature in individuals with FHL2-related conditions. This variant results in a copy number gain of the genomic region encompassing the full coding sequence of the FHL2 gene. The boundaries of this event are unknown as they extend beyond the assayed region for this gene and therefore may encompass additional genes. As the precise location of this event is unknown, it may be in tandem or it may be located elsewhere in the genome.

NC_000002.11:g.(?_105977730)_(106002983_?)dup

Gene: FHL2 (four and a half LIM domains 2; minus strand). Cytogenetic location: 2q12.1-12.2.
Variant type: Duplication.
Identifiers: ClinVar variation 1052649 (VCV001052649.3).